The following is an entry in ClinVar:

NM_001005361.3(DNM2):c.1781+17C>A

Gene: DNM2 (dynamin 2; plus strand). Cytogenetic location: 19p13.2.
Variant type: single nucleotide variant.
Coding change: c.1781+17C>A on transcript NM_001005361.3 (MANE Select); 17 bases into the intron after coding-DNA position 1781, C replaced by A.
Molecular consequence: intron variant.
Genome position (GRCh38, 1-based): chr19:10,820,106, C>A. VCF-style: chr19-10820106-C-A. GRCh37 (hg19) VCF-style: chr19-10930782-C-A.
Other names: c.1781+17C>A (NM_001005360.3, NM_001190716.2); c.1769+17C>A (NM_004945.4, NM_001005362.3).
Identifiers: ClinVar variation 380621 (VCV000380621.10), dbSNP rs75344643, ClinGen allele CA9201392.
Genomic context (GRCh38, chr19:10,820,106, plus strand): 5'-ATGTCCAACAAGCACGTCTTCGCCATCTTCAACACGGAGCAGAGGTGAGGGGCCCAGGGG[C>A]CTGGGGATGGCTCGGGGTGAAGACCAATGGCCTCATTCACACTCCACAACCTTCACTGAG-3'

ClinVar aggregate classification (germline): Benign/Likely benign. Review status: criteria provided, multiple submitters, no conflicts (2 of 4 stars). 3 submissions from 3 submitters: Benign (2); Likely benign (1). Last evaluated 2026-01-18.

Conditions:
Charcot-Marie-Tooth disease dominant intermediate B (CMTDIB). Also called: CHARCOT-MARIE-TOOTH NEUROPATHY, DOMINANT INTERMEDIATE B; Charcot-Marie-Tooth disease dominant intermediate 1; CMT DI1; Charcot-Marie-Tooth disease dominant intermediate I. Identifiers: Orphanet 100044, Orphanet 228179, MedGen C1847902, MONDO:0011674, OMIM 606482.

Allele frequency attached by ClinVar (database versions not stated): gnomAD exomes 0.00026 and 0.00055; ExAC 0.00063; gnomAD 0.00214 and 0.00220; 1000 Genomes Project 30x 0.00219; 1000 Genomes Project 0.00220; TOPMed 0.00250; ESP Exome Variant Server 0.00254.
gnomAD v4.1: 733 of 1,613,410 alleles (0.045%); highest among the groups gnomAD compares: African/African-American, 0.86%; 5 homozygotes.

Submissions (3):

Labcorp Genetics (formerly Invitae), Labcorp
Classification: Benign for Charcot-Marie-Tooth disease dominant intermediate B. Last evaluated: 2026-01-18. Review status: criteria provided, single submitter. Criteria: Invitae Variant Classification Sherloc (09022015). Collection method: clinical testing. Allele origin: germline.

Women's Health and Genetics/Laboratory Corporation of America, LabCorp
Classification: Benign. Last evaluated: 2026-01-05. Review status: criteria provided, single submitter. Criteria: LabCorp Variant Classification Summary - May 2015. Collection method: clinical testing. Allele origin: germline.

GeneDx
Classification: Likely benign. Last evaluated: 2017-05-11. Review status: criteria provided, single submitter. Criteria: GeneDx Variant Classification (06012015). Collection method: clinical testing. Allele origin: germline. Affected: yes.
Comment: This variant is considered likely benign or benign based on one or more of the following criteria: it is a conservative change, it occurs at a poorly conserved position in the protein, it is predicted to be benign by multiple in silico algorithms, and/or has population frequency not consistent with disease.